The following is an entry in ClinVar:

NM_004991.4(MECOM):c.3356A>G (p.Glu1119Gly)

Gene: MECOM (MDS1 and EVI1 complex locus; minus strand). Cytogenetic location: 3q26.2.
Variant type: single nucleotide variant.
Coding change: c.3356A>G on transcript NM_004991.4 (MANE Select); coding-DNA position 3356, A replaced by G.
Protein change: p.Glu1119Gly; replaces glutamic acid 1119 with glycine.
Molecular consequence: missense variant.
Genome position (GRCh38, 1-based): chr3:169,090,045, T>C on the plus strand (A>G on the coding strand, the complement: MECOM is on the minus strand). VCF-style: chr3-169090045-T-C. GRCh37 (hg19) VCF-style: chr3-168807833-T-C.
Other names: c.2987A>G, p.Glu996Gly (NM_001105077.4); c.2792A>G, p.Glu931Gly (NM_001105078.4, NM_001205194.2, NM_001366469.2 and 1 more transcripts); c.2768A>G, p.Glu923Gly (NM_001163999.2, NM_001366470.2); c.2765A>G, p.Glu922Gly (NM_001164000.2, NM_001366471.2, NM_001366472.2); c.3329A>G, p.Glu1110Gly (NM_001366466.2); c.2795A>G, p.Glu932Gly (NM_001366467.2, NM_001366468.2); c.2357A>G, p.Glu786Gly (NM_001366473.2); c.1793A>G, p.Glu598Gly (NM_001366474.2); short protein forms E1119G, E1110G, E598G, E786G, E922G, E931G, E923G, E932G.
Identifiers: ClinVar variation 4105813 (VCV004105813.1).
Genomic context (GRCh38, chr3:169,090,045, plus strand): 5'-ACCCAAGGTACTCACCTCACTGGGGATGTCTTGCAACTCATCTCCAGGGCACTGGTTTCT[T>C]CATAGTCATCCTCAGGGTTTCCTTCATGTAAATTACTTGTCACTGGTTCCTTTCCTGTTT-3'
Protein context (NP_004982.2, residues 1109-1129): LHEGNPEDDY[Glu1119Gly]ETSALEMSCK

ClinVar aggregate classification (germline): Uncertain significance (1 of 4 stars; one submission).

Conditions:
Inborn genetic diseases. Identifiers: MedGen C0950123, MeSH D030342.

Submission:

Ambry Genetics
Classification: Uncertain significance for Inborn genetic diseases. Last evaluated: 2025-08-01. Review status: criteria provided, single submitter. Criteria: Ambry Variant Classification Scheme 2023. Collection method: clinical testing. Allele origin: germline.
Comment: The p.E1119G variant (also known as c.3356A>G), located in coding exon 15 of the MECOM gene, results from an A to G substitution at nucleotide position 3356. The glutamic acid at codon 1119 is replaced by glycine, an amino acid with similar properties. This amino acid position is conserved. In addition, this alteration is predicted to be tolerated by in silico analysis. Based on the available evidence, the clinical significance of this variant remains unclear.